The following is an entry in ClinVar:

NM_001291415.2(KDM6A):c.975-1G>A

Gene: KDM6A (lysine demethylase 6A; plus strand). Cytogenetic location: Xp11.3.
Variant type: single nucleotide variant.
Coding change: c.975-1G>A on transcript NM_001291415.2 (MANE Select); the canonical splice acceptor site of the intron before coding-DNA position 975, G replaced by A.
Molecular consequence: splice acceptor variant.
Genome position (GRCh38, 1-based): chrX:45,059,246, G>A. VCF-style: chrX-45059246-G-A. GRCh37 (hg19) VCF-style: chrX-44918491-G-A.
Other names: c.975-1G>A (NM_001419809.1, NM_001419810.1, NM_001419813.1 and 9 more transcripts); c.222-1G>A (NM_001291421.2).
Identifiers: ClinVar variation 4689798 (VCV004689798.1).

ClinVar aggregate classification (germline): Pathogenic (1 of 4 stars; one submission).

Submission:

GeneDx
Classification: Pathogenic. Last evaluated: 2025-07-31. Review status: criteria provided, single submitter. Criteria: GeneDx Variant Classification Process June 2021. Collection method: clinical testing. Allele origin: germline. Affected: yes.
Comment: Canonical splice site variant predicted to result in a null allele in a gene for which loss of function is a known mechanism of disease; Not observed at significant frequency in large population cohorts (gnomAD); This variant is associated with the following publications: (PMID: 35904121, 34232366, 30107592, Bonuccelli2023[casereport], 28333917)